The following is an entry in ClinVar:

ClinVar aggregate classification (germline): Uncertain significance (1 of 4 stars; one submission).

Conditions:
Myasthenic syndrome, congenital, 24, presynaptic. Identifiers: MedGen C4748684, MONDO:0032597, OMIM 618198.

Allele frequency attached by ClinVar (database versions not stated): gnomAD 0.00011; gnomAD exomes 0.00016; 1000 Genomes Project 30x 0.00031; ExAC 0.00035; 1000 Genomes Project 0.00040.
gnomAD v4.1: 251 of 1,614,102 alleles (0.016%); highest among the groups gnomAD compares: South Asian, 0.23%; 5 homozygotes.

Submission:

Neuberg Centre For Genomic Medicine, NCGM
Classification: Uncertain significance for Myasthenic syndrome, congenital, 24, presynaptic. Last evaluated: 2023-02-14. Review status: criteria provided, single submitter. Criteria: ACMG Guidelines, 2015. Collection method: clinical testing. Allele origin: germline. Inheritance: Autosomal recessive inheritance. Affected: yes.
Comment: The missense variant c.4807G>A (p.Val1603Met) in the MYO9A gene has not been reported previously as a pathogenic variant nor as a benign variant, to our knowledge. This variant is reported with the allele frequency (0.03%) in the gnomAD Exomes and novel (not in any individuals) in 1000 Genomes. The amino acid Valine at position 1603 is changed to a Methionine changing protein sequence and it might alter its composition and physico-chemical properties. For these reasons, this variant has been classified as Uncertain Significance.

NM_006901.4(MYO9A):c.4807G>A (p.Val1603Met)

Gene: MYO9A (myosin IXA; minus strand). Cytogenetic location: 15q23.
Variant type: single nucleotide variant.
Coding change: c.4807G>A on transcript NM_006901.4 (MANE Select); coding-DNA position 4807, G replaced by A.
Protein change: p.Val1603Met; replaces valine 1603 with methionine.
Molecular consequence: missense variant.
Genome position (GRCh38, 1-based): chr15:71,897,696, C>T on the plus strand (G>A on the coding strand, the complement: MYO9A is on the minus strand). VCF-style: chr15-71897696-C-T. GRCh37 (hg19) VCF-style: chr15-72190037-C-T.
Other names: short protein forms V1603M.
Identifiers: ClinVar variation 2664911 (VCV002664911.1), dbSNP rs559611076, ClinGen allele CA7641321.